The following is an entry in ClinVar:

ClinVar aggregate classification (germline): Uncertain significance (1 of 4 stars; one submission).

Conditions:
Hereditary sensory and autonomic neuropathy type 1 (HSAN1). Also called: HSAN 1; HSN Type I; Hereditary Sensory Neuropathy Type I. Identifiers: Orphanet 36386, MedGen C0020071, MONDO:0018213.

Allele frequency attached by ClinVar (database versions not stated): gnomAD exomes below 0.00001.
gnomAD v4.1: 1 of 1,614,208 alleles (0.000062%); highest among the groups gnomAD compares: Non-Finnish European, 0.000085%; no homozygotes.

Submission:

Labcorp Genetics (formerly Invitae), Labcorp
Classification: Uncertain significance for Hereditary sensory and autonomic neuropathy type 1. Last evaluated: 2023-08-14. Review status: criteria provided, single submitter. Criteria: Invitae Variant Classification Sherloc (09022015). Collection method: clinical testing. Allele origin: germline.
Comment: In summary, the available evidence is currently insufficient to determine the role of this variant in disease. Therefore, it has been classified as a Variant of Uncertain Significance. Advanced modeling of protein sequence and biophysical properties (such as structural, functional, and spatial information, amino acid conservation, physicochemical variation, residue mobility, and thermodynamic stability) performed at Invitae indicates that this missense variant is not expected to disrupt SPTLC1 protein function. This variant has not been reported in the literature in individuals affected with SPTLC1-related conditions. This variant is not present in population databases (gnomAD no frequency). This sequence change replaces lysine, which is basic and polar, with arginine, which is basic and polar, at codon 465 of the SPTLC1 protein (p.Lys465Arg).

NM_006415.4(SPTLC1):c.1394A>G (p.Lys465Arg)

Gene: SPTLC1 (serine palmitoyltransferase long chain base subunit 1; minus strand). Cytogenetic location: 9q22.31.
Variant type: single nucleotide variant.
Coding change: c.1394A>G on transcript NM_006415.4 (MANE Select); coding-DNA position 1394, A replaced by G.
Protein change: p.Lys465Arg; replaces lysine 465 with arginine.
Molecular consequence: missense variant. On other transcripts: synonymous variant (1).
Genome position (GRCh38, 1-based): chr9:92,032,493, T>C on the plus strand (A>G on the coding strand, the complement: SPTLC1 is on the minus strand). VCF-style: chr9-92032493-T-C. GRCh37 (hg19) VCF-style: chr9-94794775-T-C.
Other names: c.1362A>G, p.Gln454= (NM_001281303.2); c.1028A>G, p.Lys343Arg (NM_001368272.1); c.929A>G, p.Lys310Arg (NM_001368273.1); short protein forms K343R, K310R, K465R.
Identifiers: ClinVar variation 2988866 (VCV002988866.3), dbSNP rs2538361981, ClinGen allele CA373788948.